The following is an entry in ClinVar:

NM_005475.3(SH2B3):c.1432C>T (p.Pro478Ser)

Gene: SH2B3 (SH2B adaptor protein 3; plus strand). Cytogenetic location: 12q24.12.
Variant type: single nucleotide variant.
Coding change: c.1432C>T on transcript NM_005475.3 (MANE Select); coding-DNA position 1432, C replaced by T.
Protein change: p.Pro478Ser; replaces proline 478 with serine.
Molecular consequence: missense variant.
Genome position (GRCh38, 1-based): chr12:111,448,006, C>T. VCF-style: chr12-111448006-C-T. GRCh37 (hg19) VCF-style: chr12-111885810-C-T.
Other names: c.826C>T, p.Pro276Ser (NM_001291424.1); short protein forms P478S, P276S.
Identifiers: ClinVar variation 4163900 (VCV004163900.1).

ClinVar aggregate classification (germline): Uncertain significance (1 of 4 stars; one submission).

Conditions:
Inborn genetic diseases. Identifiers: MedGen C0950123, MeSH D030342.

gnomAD v4.1: 4 of 1,612,334 alleles (0.00025%); highest among the groups gnomAD compares: Non-Finnish European, 0.00034%; no homozygotes.

Submission:

Ambry Genetics
Classification: Uncertain significance for Inborn genetic diseases. Last evaluated: 2025-06-20. Review status: criteria provided, single submitter. Criteria: Ambry Variant Classification Scheme 2023. Collection method: clinical testing. Allele origin: germline.
Comment: The p.P478S variant (also known as c.1432C>T), located in coding exon 7 of the SH2B3 gene, results from a C to T substitution at nucleotide position 1432. The proline at codon 478 is replaced by serine, an amino acid with similar properties. This amino acid position is conserved. In addition, the in silico prediction for this alteration is inconclusive. Based on the available evidence, the clinical significance of this variant remains unclear.